The following is an entry in ClinVar:

ClinVar aggregate classification (germline): Benign/Likely benign. Review status: criteria provided, multiple submitters, no conflicts (2 of 4 stars). 2 submissions from 2 submitters: Benign (1); Likely benign (1). Last evaluated 2025-11-28.

Conditions:
Catecholaminergic polymorphic ventricular tachycardia 1. Also called: RYR2-Related Catecholaminergic Polymorphic Ventricular Tachycardia; VENTRICULAR TACHYCARDIA, STRESS-INDUCED POLYMORPHIC 1; VENTRICULAR TACHYCARDIA, CATECHOLAMINERGIC POLYMORPHIC, 1, WITH OR WITHOUT ATRIAL DYSFUNCTION AND/OR DILATED CARDIOMYOPATHY. Identifiers: Orphanet 3286, MedGen C1631597, MONDO:0011484, OMIM 604772.

Allele frequency attached by ClinVar (database versions not stated): ExAC 0.00001; gnomAD exomes 0.00002; TOPMed 0.00005.
gnomAD v4.1: 68 of 1,590,748 alleles (0.0043%); highest among the groups gnomAD compares: Non-Finnish European, 0.0051%; no homozygotes.

Submissions (2):

Labcorp Genetics (formerly Invitae), Labcorp
Classification: Likely benign for Catecholaminergic polymorphic ventricular tachycardia 1. Last evaluated: 2025-11-28. Review status: criteria provided, single submitter. Criteria: Invitae Variant Classification Sherloc (09022015). Collection method: clinical testing. Allele origin: germline.

GeneDx
Classification: Benign. Last evaluated: 2014-05-22. Review status: criteria provided, single submitter. Criteria: GeneDx Variant Classification (06012015). Collection method: clinical testing. Allele origin: germline. Affected: yes.
Comment: This variant is considered likely benign or benign based on one or more of the following criteria: it is a conservative change, it occurs at a poorly conserved position in the protein, it is predicted to be benign by multiple in silico algorithms, and/or has population frequency not consistent with disease.

NM_001035.3(RYR2):c.4160+16G>A

Genes: RYR2 (ryanodine receptor 2; plus strand), LOC126806067 (BRD4-independent group 4 enhancer GRCh37_chr1:237753258-237754457; plus strand). Cytogenetic location: 1q43.
Variant type: single nucleotide variant.
Coding change: c.4160+16G>A on transcript NM_001035.3 (MANE Select); 16 bases into the intron after coding-DNA position 4160, G replaced by A.
Molecular consequence: intron variant.
Genome position (GRCh38, 1-based): chr1:237,591,008, G>A. VCF-style: chr1-237591008-G-A. GRCh37 (hg19) VCF-style: chr1-237754308-G-A.
Other names: c.4160+16G>A (LRG_402t1).
Identifiers: ClinVar variation 138944 (VCV000138944.10), dbSNP rs587781142, ClinGen allele CA009476.